The following is an entry in ClinVar:

NM_000402.4(G6PD):c.221C>G (p.Ala74Gly)

Gene: G6PD (glucose-6-phosphate dehydrogenase; minus strand). Cytogenetic location: Xq28.
Variant type: single nucleotide variant.
Coding change: c.221C>G on transcript NM_000402.4; coding-DNA position 221, C replaced by G.
Protein change: p.Ala74Gly; replaces alanine 74 with glycine.
Molecular consequence: missense variant.
Genome position (GRCh38, 1-based): chrX:154,536,168, G>C on the plus strand (C>G on the coding strand, the complement: G6PD is on the minus strand). VCF-style: chrX-154536168-G-C. GRCh37 (hg19) VCF-style: chrX-153764383-G-C.
Other names: G6PD, ALA44GLY; G6PD Odisha; G6PD Orissa; p.Ala44Gly; c.131C>G, p.Ala44Gly (NM_001042351.3, NM_001360016.2); short protein forms A44G, A74G.
Identifiers: ClinVar variation 10406 (VCV000010406.60), dbSNP rs78478128, ClinGen allele CA121031.

ClinVar aggregate classification (germline): Pathogenic/Likely pathogenic. Review status: criteria provided, multiple submitters, no conflicts (2 of 4 stars). 17 submissions from 17 submitters: Pathogenic (13); Likely pathogenic (2). 2 of the submissions do not count toward it. Last evaluated 2026-02-02.

Conditions:
Anemia, nonspherocytic hemolytic, due to G6PD deficiency (CNSHA1). Also called: Favism, susceptibility to; ANEMIA, CONGENITAL, NONSPHEROCYTIC HEMOLYTIC, 1; Class I glucose-6-phosphate dehydrogenase deficiency; Hemolytic anemia due to G6PD deficiency. Identifiers: Orphanet 466026, MedGen C2720289, MONDO:0010480, OMIM 300908.
Malaria, susceptibility to. Identifiers: Orphanet 673, MedGen C1970028, MONDO:0021024, OMIM 611162.
G6PD ORISSA.
G6PD deficiency. Also called: G6PD A-. Identifiers: MedGen C2939465, MONDO:0005775.

Allele frequency attached by ClinVar (database versions not stated): gnomAD below 0.00001 and 0.00012; TOPMed 0.00003; gnomAD exomes 0.00010 and 0.00017; 1000 Genomes Project 30x 0.00021; ExAC 0.00022; 1000 Genomes Project 0.00026.

Submissions 1 to 9 of 17:

Labcorp Genetics (formerly Invitae), Labcorp
Classification: Pathogenic for Anemia, nonspherocytic hemolytic, due to G6PD deficiency. Last evaluated: 2026-02-02. Review status: criteria provided, single submitter. Criteria: Invitae Variant Classification Sherloc (09022015). Collection method: clinical testing. Allele origin: germline.
Comment: This sequence change replaces alanine, which is neutral and non-polar, with glycine, which is neutral and non-polar, at codon 44 of the G6PD protein (p.Ala44Gly). This variant is present in population databases (rs78478128, gnomAD 0.2%), and has an allele count higher than expected for a pathogenic variant. This missense change has been observed in individual(s) with glucose-6-phosphate dehydrogenase deficiency (PMID: 10192449, 17524386). It is commonly reported in individuals of South Asian ancestry (PMID: 8533762, 15315792, 20621077, 22906047, 26829728, 27880809). ClinVar contains an entry for this variant (Variation ID: 10406). Invitae Evidence Modeling of protein sequence and biophysical properties (such as structural, functional, and spatial information, amino acid conservation, physicochemical variation, residue mobility, and thermodynamic stability) indicates that this missense variant is expected to disrupt G6PD protein function with a positive predictive value of 95%. Experimental studies have shown that this missense change affects G6PD function (PMID: 8533762). For these reasons, this variant has been classified as Pathogenic.

Variantyx, Inc.
Classification: Likely pathogenic for Anemia, nonspherocytic hemolytic, due to G6PD deficiency. Last evaluated: 2025-10-31. Review status: criteria provided, single submitter. Criteria: Variantyx Assertion Criteria 2022. Collection method: clinical testing. Allele origin: maternal. Inheritance: X-linked inheritance.
Comment: This is a nonsynonymous variant in the G6PD gene (OMIM: 305900). Pathogenic variants in this gene have been associated with X-linked hemolytic anemia due to G6PD deficiency (favism). Functional studies have shown that this variant alters G6PD protein function (PMID: 8533762, 30097005, 27880809) (PS3_Moderate), and multiple computational algorithms predict a deleterious effect (REVEL score: 0.967) (PP3). An alternate amino acid change at this position (p.Ala44Thr) has been previously reported in affected individuals (PMID: 17524386) (PM5). This variant has been reported in several unrelated affected individuals (PMID: 8533762, 12215013, 27880809, 30097005, 22906047, 34620237), and has a 0.2008% maximum allele frequency in non-founder control populations. Based on the current evidence, this variant is classified as likely pathogenic for X-linked hemolytic anemia due to G6PD deficiency (favism).

Women's Health and Genetics/Laboratory Corporation of America, LabCorp
Classification: Pathogenic for Anemia, nonspherocytic hemolytic, due to G6PD deficiency. Last evaluated: 2025-10-16. Review status: criteria provided, single submitter. Criteria: LabCorp Variant Classification Summary - May 2015. Collection method: clinical testing. Allele origin: germline.
Comment: Variant summary: G6PD c.221C>G (p.Ala74Gly), also reported as p.Ala44Gly and named the "Orissa" variant, results in a non-conservative amino acid change in the encoded protein sequence. Algorithms developed to predict the effect of missense changes on protein structure and function all suggest that this variant is likely to be disruptive. The variant allele was found at a frequency of 0.00011 in 1209580 control chromosomes, predominantly at a frequency of 0.002 within the South Asian subpopulation in the gnomAD database, including 73 hemizygous individuals. The observed variant frequency within South Asian control individuals in the gnomAD database exceeds the estimated maximal expected allele frequency for disease-causing variants in G6PD. c.221C>G has been observed in individual(s) affected with clinical features of G6PD deficiency. Multiple studies have found this variant to be present in a very high proportion (for some ancestral groups, >50%) of G6PD deficient individuals from various Indian subpopulations, suggesting it is likely to be a founder variant. Several publications report experimental evidence evaluating an impact on protein function. The most pronounced variant effect results in 10%-<30% of normal activity, with some individuals showing activity below 10% (Nishank_2008, Kaeda_1995, Minucci_2010, Sarker_2016). The following publications have been ascertained in the context of this evaluation (PMID: 18568599, 8533762, 20621077, 27880809, 32906206). ClinVar contains an entry for this variant (Variation ID: 10406). Based on the evidence outlined above, the variant was classified as pathogenic.

ARUP Laboratories, Molecular Genetics and Genomics, ARUP Laboratories
Classification: Pathogenic. Last evaluated: 2025-07-02. Review status: criteria provided, single submitter. Criteria: ARUP Molecular Germline Variant Investigation Process 2024. Collection method: clinical testing. Allele origin: germline.
Comment: The G6PD c.131C>G; p.Ala44Gly variant (rs78478128, ClinVar Variation ID: 10406), also known as G6PD Orissa, is reported in the literature in individuals affected with G6PD deficiency (Devendra 2020, Islam 2018, Kaeda 1995, Sarker 2016) and is classified as a class III variant associated with mild to moderate G6PD enzyme deficiency (Arunachalam 2020). This variant is found in the South Asian population with an allele frequency of 0.16% (31/19076 alleles, including 20 hemizygotes) in the Genome Aggregation Database (v2.1.1). Functional analyses of the variant protein show reduced G6PD enzymatic activity (Kaeda 1995). Additionally computational analyses predict that this variant is deleterious (REVEL: 0.967). Based on available information, this variant is considered to be pathogenic. References: Arunachalam AK et al. Molecular Characterization of G6PD Deficiency: Report of Three Novel G6PD Variants. Indian J Hematol Blood Transfus. 2020 Apr;36(2):349-355. PMID: 32425388. Kaeda JS et al. A new glucose-6-phosphate dehydrogenase variant, G6PD Orissa (44 Ala-->Gly), is the major polymorphic variant in tribal populations in India. Am J Hum Genet. 1995 Dec;57(6):1335-41. PMID: 8533762. Sarker SK et al. Molecular Analysis of Glucose-6-Phosphate Dehydrogenase Gene Mutations in Bangladeshi Individuals. PLoS One. 2016 Nov 23;11(11):e0166977. PMID: 27880809. Islam MT et al. High resolution melting curve analysis enables rapid and reliable detection of G6PD variants in heterozygous females. BMC Genet. 2018 Aug 10;19(1):58. PMID: 30097005. Devendra R et al. Prevalence and spectrum of mutations causing G6PD deficiency in Indian populations. Infect Genet Evol. 2020 Dec;86:104597. PMID: 33069889.

Foundation for Research in Genetics and Endocrinology, FRIGE's Institute of Human Genetics
Classification: Pathogenic for Anemia, nonspherocytic hemolytic, due to G6PD deficiency. Last evaluated: 2024-06-22. Review status: criteria provided, single submitter. Criteria: ACMG Guidelines, 2015. Collection method: clinical testing. Allele origin: germline. Inheritance: X-linked inheritance. Affected: yes. Observed: 1 heterozygote.
Comment: A heterozygous missense variation in exon 3 of the G6PD gene that results in the amino acid substitution of Glycine for Alanine at codon 44 was detected. The observed variant c.131C>G (p.Ala44Gly) has a minor allele frequency of 0.03%, 0.01%, 0.02% and 0.003% in the 1000 genomes, gnomAD (v3.1), gnomAD (v2.1) and topmed databases, respectively. The insilico predictions of the variant are probably damaging by PolyPhen-2 and damaging by SIFT, LRT and MutationTaster2. The reference codon is conserved across species. In summary, the variant meets our criteria to be classified as a variant of pathogenic.

Fulgent Genetics
Classification: Likely pathogenic for Anemia, nonspherocytic hemolytic, due to G6PD deficiency; Malaria, susceptibility to. Last evaluated: 2024-06-21. Review status: criteria provided, single submitter. Criteria: ACMG Guidelines, 2015. Collection method: clinical testing. Allele origin: germline.

Revvity Omics, Revvity
Classification: Pathogenic for Anemia, nonspherocytic hemolytic, due to G6PD deficiency. Last evaluated: 2024-05-14. Review status: criteria provided, single submitter. Criteria: ACMG Guidelines, 2015. Collection method: clinical testing. Allele origin: germline.

Baylor Genetics
Classification: Pathogenic for Malaria, susceptibility to. Last evaluated: 2024-03-23. Review status: criteria provided, single submitter. Criteria: ACMG Guidelines, 2015. Collection method: clinical testing. Allele origin: unknown.

GeneDx
Classification: Pathogenic. Last evaluated: 2023-09-14. Review status: criteria provided, single submitter. Criteria: GeneDx Variant Classification Process June 2021. Collection method: clinical testing. Allele origin: germline. Affected: yes.
Comment: Functional analysis of recombinant enzyme showed significantly increased Km-NADP and increased thermostability (Kaeda et al., 1995); Also known as G6PD Orissa (Kaeda et al., 1995; Sarker et al., 2016); This variant is associated with the following publications: (PMID: 21507207, 27880809, 21931771, 8533762, 30097005, 20621077, 15315792, 2255919, 26829728, 26139767, 26021654, 12497642, 21446359, 33069889, 12215013)